The following is an entry in ClinVar:

ClinVar aggregate classification (germline): Uncertain significance (1 of 4 stars; one submission).

Conditions:
Evans syndrome, immunodeficiency, and premature immunosenescence associated with tripeptidyl-peptidase II deficiency. Identifiers: MedGen CN231723. Disease mechanism: loss of function.

Submission:

Labcorp Genetics (formerly Invitae), Labcorp
Classification: Uncertain significance for Evans syndrome, immunodeficiency, and premature immunosenescence associated with tripeptidyl-peptidase II deficiency. Last evaluated: 2021-04-29. Review status: criteria provided, single submitter. Criteria: Invitae Variant Classification Sherloc (09022015). Collection method: clinical testing. Allele origin: germline.
Comment: In summary, the available evidence is currently insufficient to determine the role of this variant in disease. Therefore, it has been classified as a Variant of Uncertain Significance. This sequence change replaces alanine with glycine at codon 637 of the TPP2 protein (p.Ala637Gly). The alanine residue is moderately conserved and there is a small physicochemical difference between alanine and glycine. This variant is not present in population databases (ExAC no frequency). This variant has not been reported in the literature in individuals with TPP2-related conditions. Algorithms developed to predict the effect of missense changes on protein structure and function (SIFT, PolyPhen-2, Align-GVGD) all suggest that this variant is likely to be tolerated, but these predictions have not been confirmed by published functional studies and their clinical significance is uncertain.

NM_001330588.2(TPP2):c.1910C>G (p.Ala637Gly)

Gene: TPP2 (tripeptidyl peptidase 2; plus strand). Cytogenetic location: 13q33.1.
Variant type: single nucleotide variant.
Coding change: c.1910C>G on transcript NM_001330588.2 (MANE Select); coding-DNA position 1910, C replaced by G.
Protein change: p.Ala637Gly; replaces alanine 637 with glycine.
Molecular consequence: missense variant. On other transcripts: non-coding transcript variant (1).
Genome position (GRCh38, 1-based): chr13:102,638,312, C>G. VCF-style: chr13-102638312-C-G. GRCh37 (hg19) VCF-style: chr13-103290662-C-G.
Other names: c.1910C>G, p.Ala637Gly (NM_001367947.1, NM_003291.4); short protein forms A637G.
Identifiers: ClinVar variation 1502333 (VCV001502333.8), dbSNP rs2139512261, ClinGen allele CA388491054.
Genomic context (GRCh38, chr13:102,638,312, plus strand): 5'-ATATAGCATCCCCTAACGCAGGTCCGCTCTTCAGAGTTCCGATCACTGCAGTTATAGCAG[C>G]AAAGTAAGTAACAGGTTACTCACAGCTTACTGGTACATCTAAGATTTTAATGACTATTCA-3'
Protein context (NP_001317517.1, residues 627-647): FRVPITAVIA[Ala637Gly]KVNESSHYDL